The following is an entry in ClinVar:

NM_007294.4(BRCA1):c.5332+10T>C

Gene: BRCA1 (BRCA1 DNA repair associated; minus strand). Cytogenetic location: 17q21.31.
Variant type: single nucleotide variant.
Coding change: c.5332+10T>C on transcript NM_007294.4 (MANE Select); 10 bases into the intron after coding-DNA position 5332, T replaced by C.
Molecular consequence: intron variant.
Genome position (GRCh38, 1-based): chr17:43,051,053, A>G on the plus strand (T>C on the coding strand, the complement: BRCA1 is on the minus strand). VCF-style: chr17-43051053-A-G. GRCh37 (hg19) VCF-style: chr17-41203070-A-G.
Other names: c.5185+10T>C (NM_001407843.1, NM_001407847.1, NM_001407841.1 and 12 more transcripts); c.1882+10T>C (NM_001408456.1, NM_001408453.1, NM_001408455.1 and 3 more transcripts); c.5188+10T>C (NM_001407733.1, NM_001407751.1, NM_001407740.1 and 21 more transcripts); c.5191+10T>C (NM_001407942.1, NM_001407694.1, NM_001407696.1 and 13 more transcripts); c.1879+10T>C (NM_001408465.1, NM_001408463.1, NM_001408462.1 and 7 more transcripts); c.1810+10T>C (NM_001408482.1, NM_001408484.1, NM_001408485.1 and 5 more transcripts); c.5068+10T>C (NM_001407920.1, NM_001407923.1, NM_001407922.1 and 4 more transcripts); c.4996+10T>C (NM_001407954.1, NM_001407952.1, NM_001407950.1 and 3 more transcripts); and 74 more.
Identifiers: ClinVar variation 868004 (VCV000868004.3), dbSNP rs2051192582, ClinGen allele CA916081007.

Conditions:
Breast-ovarian cancer, familial, susceptibility to, 1 (BROVCA1). Also called: BRCA1 Hereditary Breast and Ovarian Cancer; OVARIAN CANCER, SUSCEPTIBILITY TO. Identifiers: Orphanet 145, MedGen C2676676, MONDO:0011450, OMIM 604370. Disease mechanism: loss of function.

Submission:

Brotman Baty Institute, University of Washington
No classification provided (evidence only). Condition: Breast-ovarian cancer, familial 1. Review status: no classification provided. Collection method: in vitro. Allele origin: not applicable. Functional consequence: functionally_normal.
ClinVar note: "not provided" was previously submitted as the classification for the variant. However, the classification appeared to be based only on an observation of functional data so it was converted to no classification on 2025-07-30.